The following is an entry in ClinVar:

NM_014014.5(SNRNP200):c.4036G>A (p.Val1346Met)

Gene: SNRNP200 (small nuclear ribonucleoprotein U5 subunit 200; minus strand). Cytogenetic location: 2q11.2.
Variant type: single nucleotide variant.
Coding change: c.4036G>A on transcript NM_014014.5 (MANE Select); coding-DNA position 4036, G replaced by A.
Protein change: p.Val1346Met; replaces valine 1346 with methionine.
Molecular consequence: missense variant.
Genome position (GRCh38, 1-based): chr2:96,285,308, C>T on the plus strand (G>A on the coding strand, the complement: SNRNP200 is on the minus strand). VCF-style: chr2-96285308-C-T. GRCh37 (hg19) VCF-style: chr2-96951046-C-T.
Other names: c.4036G>A (NM_014014.4); short protein forms V1346M.
Identifiers: ClinVar variation 811347 (VCV000811347.14), dbSNP rs779054512, ClinGen allele CA1778311.

ClinVar aggregate classification (germline): Uncertain significance. Review status: criteria provided, multiple submitters, no conflicts (2 of 4 stars). 3 submissions from 3 submitters: Uncertain significance (3). Last evaluated 2024-08-12.

Conditions:
Inborn genetic diseases. Identifiers: MedGen C0950123, MeSH D030342.
Retinitis pigmentosa 33 (RP33). Identifiers: Orphanet 791, MedGen C1835895, MONDO:0012477, OMIM 610359.

Submissions (3):

Ambry Genetics
Classification: Uncertain significance for Inborn genetic diseases. Last evaluated: 2024-08-12. Review status: criteria provided, single submitter. Criteria: Ambry Variant Classification Scheme 2023. Collection method: clinical testing. Allele origin: germline.

Labcorp Genetics (formerly Invitae), Labcorp
Classification: Uncertain significance. Last evaluated: 2022-12-02. Review status: criteria provided, single submitter. Criteria: Invitae Variant Classification Sherloc (09022015). Collection method: clinical testing. Allele origin: germline.
Comment: This variant is present in population databases (rs779054512, gnomAD 0.01%). This sequence change replaces valine, which is neutral and non-polar, with methionine, which is neutral and non-polar, at codon 1346 of the SNRNP200 protein (p.Val1346Met). This missense change has been observed in individual(s) with autosomal dominant retinitis pigmentosa (Invitae). ClinVar contains an entry for this variant (Variation ID: 811347). Advanced modeling of protein sequence and biophysical properties (such as structural, functional, and spatial information, amino acid conservation, physicochemical variation, residue mobility, and thermodynamic stability) performed at Invitae indicates that this missense variant is expected to disrupt SNRNP200 protein function. In summary, the available evidence is currently insufficient to determine the role of this variant in disease. Therefore, it has been classified as a Variant of Uncertain Significance.

ARUP Laboratories, Molecular Genetics and Genomics, ARUP Laboratories
Classification: Uncertain significance for Retinitis pigmentosa 33. Last evaluated: 2019-04-03. Review status: criteria provided, single submitter. Criteria: ARUP Molecular Germline Variant Investigation Process. Collection method: clinical testing. Allele origin: germline.
Comment: The SNRNP200 c.4036G>A; p.Val1346Met variant (rs779054512), to our knowledge, is not reported in the medical literature or gene-specific databases. The variant is reported in the Latino population with an allele frequency of 0.01% (4/34580 alleles) in the Genome Aggregation Database. The amino acid at this position is highly conserved, and computational analyses (SIFT, PolyPhen-2) predict that this variant is deleterious. Due to limited information, the clinical significance of the variant is uncertain at this time.